The following is an entry in ClinVar:

ClinVar aggregate classification (germline): Conflicting classifications of pathogenicity. Review status: criteria provided, conflicting classifications (1 of 4 stars). 3 submissions from 3 submitters: Uncertain significance (2); Likely benign (1). Last evaluated 2024-02-05.

Conditions:
Inborn genetic diseases. Identifiers: MedGen C0950123, MeSH D030342.
Renal tubular dysgenesis. Also called: Renotubular dysgenesis. Identifiers: Orphanet 3033, MedGen C0266313, MONDO:0017609, HP:0008660.

Allele frequency attached by ClinVar (database versions not stated): gnomAD exomes below 0.00001; gnomAD 0.00001; TOPMed 0.00004.
gnomAD v4.1: 9 of 1,614,126 alleles (0.00056%); highest among the groups gnomAD compares: African/African-American, 0.0027%; no homozygotes.

Submissions (3):

Ambry Genetics
Classification: Likely benign for Inborn genetic diseases. Last evaluated: 2024-02-05. Review status: criteria provided, single submitter. Criteria: Ambry Variant Classification Scheme 2023. Collection method: clinical testing. Allele origin: germline.

Labcorp Genetics (formerly Invitae), Labcorp
Classification: Uncertain significance. Last evaluated: 2022-08-09. Review status: criteria provided, single submitter. Criteria: Invitae Variant Classification Sherloc (09022015). Collection method: clinical testing. Allele origin: germline.
Comment: In summary, the available evidence is currently insufficient to determine the role of this variant in disease. Therefore, it has been classified as a Variant of Uncertain Significance. Advanced modeling of protein sequence and biophysical properties (such as structural, functional, and spatial information, amino acid conservation, physicochemical variation, residue mobility, and thermodynamic stability) performed at Invitae indicates that this missense variant is not expected to disrupt AGT protein function. ClinVar contains an entry for this variant (Variation ID: 296086). This variant has not been reported in the literature in individuals affected with AGT-related conditions. This variant is not present in population databases (gnomAD no frequency). This sequence change replaces alanine, which is neutral and non-polar, with threonine, which is neutral and polar, at codon 92 of the AGT protein (p.Ala92Thr).

Illumina Laboratory Services, Illumina
Classification: Uncertain significance for Renal tubular dysgenesis of genetic origin. Last evaluated: 2018-01-13. Review status: criteria provided, single submitter. Criteria: ICSL Variant Classification Criteria 13 December 2019. Collection method: clinical testing. Allele origin: germline.

NC_000001.11:g.230710577C>T

Gene: AGT (angiotensinogen; minus strand). Cytogenetic location: 1q42.2.
Variant type: single nucleotide variant.
Genome position: GRCh38 VCF-style: chr1-230710577-C-T. GRCh37 (hg19) VCF-style: chr1-230846323-C-T.
Other names: NM_000029.3:c.274G>A.
Identifiers: ClinVar variation 296086 (VCV000296086.10), dbSNP rs886046083, ClinGen allele CA10610303.
Genomic context (GRCh38, chr1:230,710,577, plus strand): 5'-AGTTGGCCAGCATCCCGACCATTGCGGCCCTCAACTTGTCTTCGGTGTCAAGTTTTGCAG[C>T]GACTAGCACCAGCTGGTCCTGTAGGGCCTTTTCATCCACAGGGGATGTCTTGGCCTGAAT-3'